The following is an entry in ClinVar:

NM_000169.3(GLA):c.1196G>C (p.Trp399Ser)

Genes: GLA (galactosidase alpha; minus strand), RPL36A-HNRNPH2 (RPL36A-HNRNPH2 readthrough; plus strand). Cytogenetic location: Xq22.1.
Variant type: single nucleotide variant.
Coding change: c.1196G>C on transcript NM_000169.3 (MANE Select); coding-DNA position 1196, G replaced by C.
Protein change: p.Trp399Ser; replaces tryptophan 399 with serine.
Molecular consequence: missense variant. On other transcripts: non-coding transcript variant (3), intron variant (2).
Genome position (GRCh38, 1-based): chrX:101,397,903, C>G on the plus strand (G>C on the coding strand, the complement: GLA is on the minus strand). VCF-style: chrX-101397903-C-G. GRCh37 (hg19) VCF-style: chrX-100652891-C-G.
Other names: c.1196G>C (NM_000169.2); c.1319G>C, p.Trp440Ser (NM_001406747.1); c.300+2446C>G (NM_001199973.2); c.177+6081C>G (NM_001199974.2); short protein forms W399S, W440S.
Identifiers: ClinVar variation 217414 (VCV000217414.31), dbSNP rs782449839, ClinGen allele CA029745.
Genomic context (GRCh38, chrX:101,397,903, plus strand): 5'-TTTTCTAGCTGAAGCAAAACAGTGCCTGTGGGATTTATGTGACTTCTTAACCTTGAAGTC[C>G]ATTCATAGAACCCTAGCTTCCTTTTCACAGGGAGGAGCTGTGTGATGAAGCAGGCAGGAT-3'
Protein context (NP_000160.1, residues 389-409): PVKRKLGFYE[Trp399Ser]TSRLRSHINP

ClinVar aggregate classification (germline): Uncertain significance. Review status: criteria provided, multiple submitters, no conflicts (2 of 4 stars). 18 submissions from 17 submitters: Uncertain significance (13). 5 of the submissions do not count toward it. Last evaluated 2026-09-08.

Conditions:
Hypertrophic cardiomyopathy 1 (CMH1). Also called: MYH7-Related Familial Hypertrophic Cardiomyopathy; Familial hypertrophic cardiomyopathy 1. Identifiers: MedGen C3495498, MONDO:0008647, OMIM 192600.
Fabry disease. Also called: ALPHA-GALACTOSIDASE A DEFICIENCY; ANDERSON-FABRY DISEASE; CERAMIDE TRIHEXOSIDASE DEFICIENCY; Fabry's disease; Angiokeratoma corporis diffusum; Ceramide trihexosidosis. Identifiers: Orphanet 324, MedGen C0002986, MONDO:0010526, OMIM 301500, HP:0001071. Disease mechanism: loss of function, Fabry disease is due to inactivating mutations in the X-linked GLA gene resulting in deficiency of the enzyme Alpha Galactosidase-A..
Migalastat response. Also called: 1-Deoxygalactonojirimycin response; Galafold response. Identifiers: MedGen CN233149.

Allele frequency attached by ClinVar (database versions not stated): gnomAD 0.00001 and 0.00005; TOPMed 0.00001; gnomAD exomes 0.00003 and 0.00008; ExAC 0.00014; 1000 Genomes Project 30x 0.00042; 1000 Genomes Project 0.00053.
gnomAD v4.1: 42 of 1,205,957 alleles (0.0035%); highest among the groups gnomAD compares: South Asian, 0.067%; no homozygotes.

Submissions 1 to 10 of 18:

Genomenon, Inc
Classification: Uncertain significance for Fabry disease. Last evaluated: 2026-09-08. Review status: criteria provided, single submitter. Criteria: Genomenon Sequence Variant Interpretation Standards - Updated. Collection method: curation. Allele origin: germline. Affected: yes.
Comment: GLA p.Trp399Ser (c.1196G>C) is a missense variant that changes the amino acid at codon 399 from Tryptophan to Serine. This variant has been observed in at least one proband with clinical features consistent with Fabry disease (PMID:28253518;26415523). Functional or patient cell studies have been reported (PMID:26415523;30093709). In conclusion, we classify GLA p.Trp399Ser (c.1196G>C) as a variant of uncertain significance.

All of Us Research Program, National Institutes of Health
Classification: Uncertain significance for Fabry disease. Last evaluated: 2023-11-30. Review status: criteria provided, single submitter. Criteria: ACMG Guidelines, 2015. Collection method: clinical testing. Allele origin: germline. Inheritance: X-linked inheritance. Observed: 1 variant allele, 1 homozygote.
Comment: This missense variant replaces tryptophan with serine at codon 399 of the GLA protein. Computational prediction is inconclusive regarding the impact of this variant on protein structure and function (internally defined REVEL score threshold 0.5 < inconclusive < 0.7, PMID: 27666373). A functional study has shown that this variant leads to 53% residual alpha-galactosidase A (GLA) enzyme activity in transfected cells (PMID: 26415523). This variant has been reported in four individuals affected with Fabry disease (PMID: 26415523, 28253518, 29794742). This variant has also been identified in 15/183471 chromosomes (15/19080 South Asian chromosomes) in the general population by the Genome Aggregation Database (gnomAD). The available evidence is insufficient to determine the role of this variant in disease conclusively. Therefore, this variant is classified as a Variant of Uncertain Significance.

This study involves interpretation of variants in research participants for the purpose of population health screening. Participant phenotype was not available at the time of variant classification. Additional details can be found in publication PMID: 35346344, PMCID: PMC8962531

Department of Pathology and Laboratory Medicine, Sinai Health System
Classification: Uncertain significance for Fabry disease. Last evaluated: 2023-05-02. Review status: criteria provided, single submitter. Criteria: ACMG Guidelines, 2015. Collection method: research. Allele origin: germline.

Labcorp Genetics (formerly Invitae), Labcorp
Classification: Uncertain significance for Fabry disease. Last evaluated: 2022-08-19. Review status: criteria provided, single submitter. Criteria: Invitae Variant Classification Sherloc (09022015). Collection method: clinical testing. Allele origin: germline.
Comment: This sequence change replaces tryptophan, which is neutral and slightly polar, with serine, which is neutral and polar, at codon 399 of the GLA protein (p.Trp399Ser). This variant is present in population databases (rs782449839, gnomAD 0.08%). This missense change has been observed in individual(s) with late-onset Fabry disease (PMID: 26415523, 28253518, 33495303). ClinVar contains an entry for this variant (Variation ID: 217414). Algorithms developed to predict the effect of missense changes on protein structure and function (SIFT, PolyPhen-2, Align-GVGD) all suggest that this variant is likely to be tolerated. In summary, the available evidence is currently insufficient to determine the role of this variant in disease. Therefore, it has been classified as a Variant of Uncertain Significance.

Centre of Medical Genetics, University Hospital Muenster
Classification: Uncertain significance. Last evaluated: 2022-01-20. Review status: criteria provided, single submitter. Criteria: ACMG Guidelines, 2015. Collection method: clinical testing. Allele origin: unknown. Affected: yes. Observed: 1 variant allele, 1 heterozygote.
Comment: ACMG categories: PM1,PM2,PP3

Fulgent Genetics
Classification: Uncertain significance for Fabry disease. Last evaluated: 2022-01-17. Review status: criteria provided, single submitter. Criteria: ACMG Guidelines, 2015. Collection method: clinical testing. Allele origin: unknown.

Women's Health and Genetics/Laboratory Corporation of America, LabCorp
Classification: Uncertain significance. Last evaluated: 2021-10-22. Review status: criteria provided, single submitter. Criteria: LabCorp Variant Classification Summary - May 2015. Collection method: clinical testing. Allele origin: germline.
Comment: Variant summary: GLA c.1196G>C (p.Trp399Ser) results in a non-conservative amino acid change in the encoded protein sequence. Two of four in-silico tools predict a benign effect of the variant on protein function. The variant allele was found at a frequency of 8.2e-05 in 183471 control chromosomes. This frequency is not significantly higher than expected for a pathogenic variant in GLA causing Fabry Disease (8.2e-05 vs 0.005), allowing no conclusion about variant significance. The later-onset male patient cohort has also been subsequently cited by others. These report(s) do not provide unequivocal conclusions about association of the variant with classic Fabry Disease. At least one publication reports experimental evidence evaluating an impact on protein function. The most pronounced variant effect results in >50% of normal alpha-Galactosidase A enzyme activity in-vitro (example, Lukas_2016). Six clinical diagnostic laboratories have submitted clinical-significance assessments for this variant to ClinVar after 2014 without evidence for independent evaluation. All laboratories classified the variant as uncertain significance. Based on the evidence outlined above, the variant was classified as uncertain significance.

Genome-Nilou Lab
Classification: Uncertain significance for Fabry disease. Last evaluated: 2021-07-15. Review status: criteria provided, single submitter. Criteria: ACMG Guidelines, 2015. Collection method: clinical testing. Allele origin: germline. Affected: no.

Color Diagnostics, LLC DBA Color Health
Classification: Uncertain significance for Fabry disease. Last evaluated: 2021-01-27. Review status: criteria provided, single submitter. Criteria: ACMG Guidelines, 2015. Collection method: clinical testing. Allele origin: germline.
Comment: This missense variant replaces tryptophan with serine at codon 399 of the GLA protein. Computational prediction is inconclusive regarding the impact of this variant on protein structure and function (internally defined REVEL score threshold 0.5 < inconclusive < 0.7, PMID: 27666373). A functional study has shown that this variant leads to 53% residual alpha-galactosidase A (GLA) enzyme activity in transfected cells (PMID: 26415523). This variant has been reported in four individuals affected with Fabry disease (PMID: 26415523, 28253518, 29794742). This variant has also been identified in 15/183471 chromosomes (15/19080 South Asian chromosomes) in the general population by the Genome Aggregation Database (gnomAD). The available evidence is insufficient to determine the role of this variant in disease conclusively. Therefore, this variant is classified as a Variant of Uncertain Significance.

Molecular Diagnostic Laboratory for Inherited Cardiovascular Disease, Montreal Heart Institute
Classification: Uncertain significance for Hypertrophic cardiomyopathy 1. Last evaluated: 2020-05-18. Review status: criteria provided, single submitter. Criteria: ACMG Guidelines, 2015. Collection method: clinical testing. Allele origin: germline. Affected: yes.